The following is an entry in ClinVar:

NM_001375380.1(EBF3):c.1039G>A (p.Ala347Thr)

Genes: EBF3 (EBF transcription factor 3; minus strand), EBF3-AS1 (EBF3 antisense RNA 1; plus strand). Cytogenetic location: 10q26.3.
Variant type: single nucleotide variant.
Coding change: c.1039G>A on transcript NM_001375380.1 (MANE Select); coding-DNA position 1039, G replaced by A.
Protein change: p.Ala347Thr; replaces alanine 347 with threonine.
Molecular consequence: missense variant.
Genome position (GRCh38, 1-based): chr10:129,867,141, C>T on the plus strand (G>A on the coding strand, the complement: EBF3 is on the minus strand). VCF-style: chr10-129867141-C-T. GRCh37 (hg19) VCF-style: chr10-131665405-C-T.
Other names: c.1039G>A, p.Ala347Thr (NM_001375389.1, NM_001375391.1, NM_001375379.1); c.1012G>A, p.Ala338Thr (NM_001375390.1, NM_001375392.1, NM_001005463.3); short protein forms A338T, A347T.
Identifiers: ClinVar variation 4536294 (VCV004536294.2).

ClinVar aggregate classification (germline): Conflicting classifications of pathogenicity. Review status: criteria provided, conflicting classifications (1 of 4 stars). 2 submissions from 2 submitters: Likely pathogenic (1); Uncertain significance (1). Last evaluated 2025-12-04.

gnomAD v4.1: 2 of 1,612,480 alleles (0.00012%); highest among the groups gnomAD compares: Non-Finnish European, 0.00017%; no homozygotes.

Submissions (2):

GeneDx
Classification: Likely pathogenic. Last evaluated: 2025-12-04. Review status: criteria provided, single submitter. Criteria: GeneDx Variant Classification Process June 2021. Collection method: clinical testing. Allele origin: germline. Affected: yes.
Comment: Alters the last nucleotide of the exon and is predicted to destroy the splice donor site and result in aberrant splicing, although in the absence of functional evidence the actual effect of this sequence change is unknown; Not observed at significant frequency in large population cohorts (gnomAD); Has not been previously published as pathogenic or benign to our knowledge

Blueprint Genetics
Classification: Uncertain significance. Last evaluated: 2020-11-10. Review status: criteria provided, single submitter. Criteria: ACMG Guidelines, 2015. Collection method: clinical testing. Allele origin: germline.